The following is an entry in ClinVar:

NM_001080476.3(GRXCR1):c.672del (p.Asp225fs)

Gene: GRXCR1 (glutaredoxin and cysteine rich domain containing 1; plus strand). Cytogenetic location: 4p13.
Variant type: Deletion.
Coding change: c.672del on transcript NM_001080476.3 (MANE Select); coding-DNA position 672, one base deleted (A; older notation c.672delA).
Protein change: p.Asp225fs; shifts the reading frame from aspartic acid 225.
Molecular consequence: frameshift variant.
Genome position (GRCh38, 1-based): chr4:43,020,398, A deleted; the last of 2 consecutive A bases (chr4:43,020,397-43,020,398); deleting either gives the same sequence. VCF-style (leftmost placement, unchanged base first): chr4-43020396-CA-C. GRCh37 (hg19) VCF-style: chr4-43022413-CA-C.
Other names: short protein forms D225fs.
Identifiers: ClinVar variation 3601166 (VCV003601166.1).

ClinVar aggregate classification (germline): Pathogenic (1 of 4 stars; one submission).

Conditions:
Autosomal recessive nonsyndromic hearing loss 25. Identifiers: Orphanet 90636, MedGen C1414017, MONDO:0013210, OMIM 613285.

Submission:

Institute of Rare Diseases, West China Hospital, Sichuan University
Classification: Pathogenic for Autosomal recessive nonsyndromic hearing loss 25. Last evaluated: 2025-01-09. Review status: criteria provided, single submitter. Criteria: ClinGen HL ACMG Specifications v1. Collection method: research. Allele origin: germline. Affected: yes.
Comment: PVS1;PM3_Supporting;PM2_Supporting